The following is an entry in ClinVar:

ClinVar aggregate classification (germline): Uncertain significance. Review status: criteria provided, multiple submitters, no conflicts (2 of 4 stars). 2 submissions from 2 submitters: Uncertain significance (2). Last evaluated 2023-12-30.

Conditions:
Familial sleep-related hypermotor epilepsy. Also called: Autosomal Dominant Sleep-Related Hypermotor (Hyperkinetic) Epilepsy. Identifiers: Orphanet 98784, MedGen C3696898, MONDO:0000030.

gnomAD v4.1: 1 of 1,614,086 alleles (0.000062%); highest among the groups gnomAD compares: Non-Finnish European, 0.000085%; no homozygotes.

Submissions (2):

Labcorp Genetics (formerly Invitae), Labcorp
Classification: Uncertain significance. Last evaluated: 2023-12-30. Review status: criteria provided, single submitter. Criteria: Invitae Variant Classification Sherloc (09022015). Collection method: clinical testing. Allele origin: germline.
Comment: This sequence change creates a premature translational stop signal (p.Tyr331*) in the CHRNA2 gene. It is expected to result in an absent or disrupted protein product. However, the current clinical and genetic evidence is not sufficient to establish whether loss-of-function variants in CHRNA2 cause disease. This variant is present in population databases (no rsID available, gnomAD 0.0009%). This variant has not been reported in the literature in individuals affected with CHRNA2-related conditions. In summary, the available evidence is currently insufficient to determine the role of this variant in disease. Therefore, it has been classified as a Variant of Uncertain Significance.

Blueprint Genetics
Classification: Uncertain significance. Last evaluated: 2020-03-26. Review status: criteria provided, single submitter. Criteria: ACMG Guidelines, 2015. Collection method: clinical testing. Allele origin: germline.

NM_000742.4(CHRNA2):c.993C>A (p.Tyr331Ter)

Gene: CHRNA2 (cholinergic receptor nicotinic alpha 2 subunit; minus strand). Cytogenetic location: 8p21.2.
Variant type: single nucleotide variant.
Coding change: c.993C>A on transcript NM_000742.4 (MANE Select); coding-DNA position 993, C replaced by A.
Protein change: p.Tyr331Ter; replaces tyrosine 331 with a stop codon.
Molecular consequence: nonsense.
Genome position (GRCh38, 1-based): chr8:27,463,450, G>T on the plus strand (C>A on the coding strand, the complement: CHRNA2 is on the minus strand). VCF-style: chr8-27463450-G-T. GRCh37 (hg19) VCF-style: chr8-27320967-G-T.
Other names: c.948C>A, p.Tyr316Ter (NM_001282455.2); c.516C>A, p.Tyr172Ter (NM_001347705.2, NM_001347706.2); c.399C>A, p.Tyr133Ter (NM_001347707.2, NM_001347708.2); short protein forms Y316*, Y133*, Y172*, Y331*.
Identifiers: ClinVar variation 2735148 (VCV002735148.4), dbSNP rs143360318, ClinGen allele CA370809933.
Genomic context (GRCh38, chr8:27,463,450, plus strand): 5'-ATTGAGCACGAAGACGGTGATGACGATGGACAGGGTGACGAAGATCATGGTGAACAGCAG[G>T]TACTCGCCGATGAGCGGGATGACCAGCGAGGTGGACGGGATGATCTCAGTGATGAGCAGC-3'